The following is an entry in ClinVar:

ClinVar aggregate classification (germline): Uncertain significance (1 of 4 stars; one submission).

Conditions:
Developmental and epileptic encephalopathy 94 (DEE94). Also called: Epileptic encephalopathy, childhood-onset; CHD2-Related Neurodevelopmental Disorders. Identifiers: Orphanet 1942, Orphanet 2382, MedGen C3809278, MONDO:0014150, OMIM 615369.

Allele frequency attached by ClinVar (database versions not stated): gnomAD exomes below 0.00001.

Submission:

Labcorp Genetics (formerly Invitae), Labcorp
Classification: Uncertain significance for Developmental and epileptic encephalopathy 94. Last evaluated: 2022-09-13. Review status: criteria provided, single submitter. Criteria: Invitae Variant Classification Sherloc (09022015). Collection method: clinical testing. Allele origin: germline.
Comment: This sequence change replaces aspartic acid, which is acidic and polar, with glycine, which is neutral and non-polar, at codon 212 of the CHD2 protein (p.Asp212Gly). This variant is present in population databases (no rsID available, gnomAD 0.0009%). This variant has not been reported in the literature in individuals affected with CHD2-related conditions. Advanced modeling of protein sequence and biophysical properties (such as structural, functional, and spatial information, amino acid conservation, physicochemical variation, residue mobility, and thermodynamic stability) performed at Invitae indicates that this missense variant is not expected to disrupt CHD2 protein function. In summary, the available evidence is currently insufficient to determine the role of this variant in disease. Therefore, it has been classified as a Variant of Uncertain Significance.

NM_001271.4(CHD2):c.635A>G (p.Asp212Gly)

Gene: CHD2 (chromodomain helicase DNA binding protein 2; plus strand). Cytogenetic location: 15q26.1.
Variant type: single nucleotide variant.
Coding change: c.635A>G on transcript NM_001271.4 (MANE Select); coding-DNA position 635, A replaced by G.
Protein change: p.Asp212Gly; replaces aspartic acid 212 with glycine.
Molecular consequence: missense variant.
Genome position (GRCh38, 1-based): chr15:92,939,661, A>G. VCF-style: chr15-92939661-A-G. GRCh37 (hg19) VCF-style: chr15-93482891-A-G.
Other names: c.635A>G, p.Asp212Gly (NM_001042572.3); short protein forms D212G.
Identifiers: ClinVar variation 1929006 (VCV001929006.5), dbSNP rs1414648082, ClinGen allele CA393900153.